The following is an entry in ClinVar:

NM_015100.4(POGZ):c.4089T>G (p.His1363Gln)

Gene: POGZ (pogo transposable element derived with ZNF domain; minus strand). Cytogenetic location: 1q21.3.
Variant type: single nucleotide variant.
Coding change: c.4089T>G on transcript NM_015100.4 (MANE Select); coding-DNA position 4089, T replaced by G.
Protein change: p.His1363Gln; replaces histidine 1363 with glutamine.
Molecular consequence: missense variant.
Genome position (GRCh38, 1-based): chr1:151,404,946, A>C on the plus strand (T>G on the coding strand, the complement: POGZ is on the minus strand). VCF-style: chr1-151404946-A-C. GRCh37 (hg19) VCF-style: chr1-151377422-A-C.
Other names: c.4062T>G, p.His1354Gln (NM_001194937.2); c.3903T>G, p.His1301Gln (NM_001194938.2); c.3804T>G, p.His1268Gln (NM_145796.4); c.3930T>G, p.His1310Gln (NM_207171.2); short protein forms H1363Q, H1301Q, H1310Q, H1354Q, H1268Q.
Identifiers: ClinVar variation 445612 (VCV000445612.36), dbSNP rs142860188, ClinGen allele CA1090863.

ClinVar aggregate classification (germline): Benign/Likely benign. Review status: criteria provided, multiple submitters, no conflicts (2 of 4 stars). 9 submissions from 9 submitters: Benign (1); Likely benign (6). 2 of the submissions do not count toward it. Last evaluated 2026-08-01.

Conditions:
Inborn genetic diseases. Identifiers: MedGen C0950123, MeSH D030342.
Intellectual disability-microcephaly-strabismus-behavioral abnormalities syndrome. Also called: White-Sutton Syndrome. Identifiers: Orphanet 468678, MedGen C4225351, MONDO:0014606, OMIM 616364.
Autism spectrum disorder. Also called: Autism spectrum disorders. Identifiers: MedGen C1510586, MeSH D000067877, MONDO:0005258.
POGZ-related disorder. Also called: POGZ-related condition.

Allele frequency attached by ClinVar (database versions not stated): 1000 Genomes Project 0.00080; 1000 Genomes Project 30x 0.00094; gnomAD 0.00106 and 0.00109; TOPMed 0.00114; ESP Exome Variant Server 0.00123; gnomAD exomes 0.00127 and 0.00132; ExAC 0.00136.
gnomAD v4.1: 2,063 of 1,614,140 alleles (0.13%); highest among the groups gnomAD compares: Middle Eastern, 0.58%; 6 homozygotes.

Submissions (9):

CeGaT Center for Human Genetics Tuebingen
Classification: Likely benign. Last evaluated: 2026-08-01. Review status: criteria provided, single submitter. Criteria: CeGaT Center For Human Genetics Tuebingen Variant Classification Criteria Version 2. Collection method: clinical testing. Allele origin: germline. Affected: yes. Observed: 13 variant alleles.
Comment: POGZ: BP4, BS1

Blueprint Genetics
Classification: Likely benign. Last evaluated: 2024-10-17. Review status: criteria provided, single submitter. Criteria: ACMG Guidelines, 2015. Collection method: clinical testing. Allele origin: germline.

Genome-Nilou Lab
Classification: Likely benign for Intellectual disability-microcephaly-strabismus-behavioral abnormalities syndrome. Last evaluated: 2023-04-11. Review status: criteria provided, single submitter. Criteria: ACMG Guidelines, 2015. Collection method: clinical testing. Allele origin: germline. Affected: no.

Labcorp Genetics (formerly Invitae), Labcorp
Classification: Likely benign. Last evaluated: 2019-12-31. Review status: criteria provided, single submitter. Criteria: Invitae Variant Classification Sherloc (09022015). Collection method: clinical testing. Allele origin: germline.

GeneDx
Classification: Benign. Last evaluated: 2019-06-24. Review status: criteria provided, single submitter. Criteria: GeneDx Variant Classification Process June 2021. Collection method: clinical testing. Allele origin: germline. Affected: yes.
Comment: This variant is associated with the following publications: (PMID: 26942287, 26739615)

Ambry Genetics
Classification: Likely benign for Inborn genetic diseases. Last evaluated: 2018-01-18. Review status: criteria provided, single submitter. Criteria: Ambry Variant Classification Scheme 2023. Collection method: clinical testing. Allele origin: germline.

Center for Pediatric Genomic Medicine, Children's Mercy Hospital and Clinics
Classification: Likely benign. Last evaluated: 2017-05-03. Review status: criteria provided, single submitter. Criteria: ACMG Guidelines, 2015. Collection method: clinical testing. Allele origin: germline.

PreventionGenetics, part of Exact Sciences
Classification: Benign for POGZ-related condition. Last evaluated: 2021-12-21. Review status: no assertion criteria provided. Collection method: clinical testing. Allele origin: germline. Not counted in ClinVar's aggregate classification.
Comment: This variant is classified as benign based on ACMG/AMP sequence variant interpretation guidelines (Richards et al. 2015 PMID: 25741868, with internal and published modifications).

Center of Medical Genetics, Central South University
Classification: association for Autism spectrum disorder. Review status: no assertion criteria provided. Collection method: clinical testing. Allele origin: unknown. Affected: yes. Observed: 1 variant allele. Not counted in ClinVar's aggregate classification.